The following is an entry in ClinVar:

ClinVar aggregate classification (germline): Uncertain significance. Review status: criteria provided, multiple submitters, no conflicts (2 of 4 stars). 2 submissions from 2 submitters: Uncertain significance (2). Last evaluated 2024-07-30.

Conditions:
Hereditary cancer-predisposing syndrome. Also called: Neoplastic Syndromes, Hereditary; Tumor predisposition; Hereditary Cancer Syndrome; Hereditary neoplastic syndrome. Identifiers: Orphanet 140162, MedGen C0027672, MeSH D009386, MONDO:0015356.
Tumor predisposition syndrome 3 (TPDS3). Also called: Glioma susceptibility 9; LONG TELOMERE SYNDROME, POT1-RELATED; POT1 Tumor Predisposition; Melanoma, cutaneous malignant, susceptibility to, 10. Identifiers: Orphanet 618, MedGen C4014476, MONDO:0014368, OMIM 615848.

Allele frequency attached by ClinVar (database versions not stated): TOPMed below 0.00001; gnomAD 0.00001.

Submissions (2):

Labcorp Genetics (formerly Invitae), Labcorp
Classification: Uncertain significance for Tumor predisposition syndrome 3. Last evaluated: 2024-07-30. Review status: criteria provided, single submitter. Criteria: Invitae Variant Classification Sherloc (09022015). Collection method: clinical testing. Allele origin: germline.
Comment: This sequence change replaces histidine, which is basic and polar, with tyrosine, which is neutral and polar, at codon 302 of the POT1 protein (p.His302Tyr). This variant is not present in population databases (gnomAD no frequency). This variant has not been reported in the literature in individuals affected with POT1-related conditions. Advanced modeling of protein sequence and biophysical properties (such as structural, functional, and spatial information, amino acid conservation, physicochemical variation, residue mobility, and thermodynamic stability) performed at Invitae indicates that this missense variant is not expected to disrupt POT1 protein function with a negative predictive value of 80%. In summary, the available evidence is currently insufficient to determine the role of this variant in disease. Therefore, it has been classified as a Variant of Uncertain Significance.

Ambry Genetics
Classification: Uncertain significance for Hereditary cancer-predisposing syndrome. Last evaluated: 2023-12-21. Review status: criteria provided, single submitter. Criteria: Ambry Variant Classification Scheme 2023. Collection method: clinical testing. Allele origin: germline.
Comment: The p.H302Y variant (also known as c.904C>T), located in coding exon 7 of the POT1 gene, results from a C to T substitution at nucleotide position 904. The histidine at codon 302 is replaced by tyrosine, an amino acid with similar properties. This amino acid position is conserved. In addition, this alteration is predicted to be tolerated by in silico analysis. Since supporting evidence is limited at this time, the clinical significance of this alteration remains unclear.

NM_015450.3(POT1):c.904C>T (p.His302Tyr)

Gene: POT1 (protection of telomeres 1; minus strand). Cytogenetic location: 7q31.33.
Variant type: single nucleotide variant.
Coding change: c.904C>T on transcript NM_015450.3 (MANE Select); coding-DNA position 904, C replaced by T.
Protein change: p.His302Tyr; replaces histidine 302 with tyrosine.
Molecular consequence: missense variant. On other transcripts: non-coding transcript variant (3).
Genome position (GRCh38, 1-based): chr7:124,851,917, G>A on the plus strand (C>T on the coding strand, the complement: POT1 is on the minus strand). VCF-style: chr7-124851917-G-A. GRCh37 (hg19) VCF-style: chr7-124491971-G-A.
Other names: c.511C>T, p.His171Tyr (NM_001042594.2); short protein forms H171Y, H302Y.
Identifiers: ClinVar variation 3226694 (VCV003226694.3), dbSNP rs1795316814, ClinGen allele CA369054412.